The following is an entry in ClinVar:

NM_001148.6(ANK2):c.8818G>A (p.Glu2940Lys)

Gene: ANK2 (ankyrin 2; plus strand). Cytogenetic location: 4q26.
Variant type: single nucleotide variant.
Coding change: c.8818G>A on transcript NM_001148.6 (MANE Select); coding-DNA position 8818, G replaced by A.
Protein change: p.Glu2940Lys; replaces glutamic acid 2940 with lysine.
Molecular consequence: missense variant. On other transcripts: intron variant (68).
Genome position (GRCh38, 1-based): chr4:113,357,436, G>A. VCF-style: chr4-113357436-G-A. GRCh37 (hg19) VCF-style: chr4-114278592-G-A.
Other names: c.8584G>A, p.Glu2862Lys (NM_001386142.1); c.5218G>A, p.Glu1740Lys (NM_001386166.1); c.8959G>A, p.Glu2987Lys (NM_001386174.1); c.8935G>A, p.Glu2979Lys (NM_001386175.1); c.4412-3387G>A (NM_001386186.2, NM_001386148.2); c.4214-3387G>A (NM_001354269.3); c.4292-3387G>A (NM_001386187.2); c.4253-3387G>A (NM_001386147.1); and 35 more; short protein forms E2940K, E2979K, E1740K, E2987K, E2862K.
Identifiers: ClinVar variation 2093531 (VCV002093531.4), dbSNP rs1326054690, ClinGen allele CA357935597.

ClinVar aggregate classification (germline): Uncertain significance (1 of 4 stars; one submission).

Conditions:
Long QT syndrome (LQTS). Identifiers: MedGen C0023976, MeSH D008133, MONDO:0002442. Disease mechanism: loss of function. Inheritance: Various modes of inheritance.

Allele frequency attached by ClinVar (database versions not stated): gnomAD exomes below 0.00001; TOPMed below 0.00001; gnomAD 0.00001.
gnomAD v4.1: 7 of 1,613,902 alleles (0.00043%); highest among the groups gnomAD compares: East Asian, 0.0022%; no homozygotes.

Submission:

Labcorp Genetics (formerly Invitae), Labcorp
Classification: Uncertain significance for Long QT syndrome. Last evaluated: 2022-02-05. Review status: criteria provided, single submitter. Criteria: Invitae Variant Classification Sherloc (09022015). Collection method: clinical testing. Allele origin: germline.
Comment: This sequence change replaces glutamic acid, which is acidic and polar, with lysine, which is basic and polar, at codon 2940 of the ANK2 protein (p.Glu2940Lys). This variant is present in population databases (no rsID available, gnomAD 0.01%). This variant has not been reported in the literature in individuals affected with ANK2-related conditions. Algorithms developed to predict the effect of missense changes on protein structure and function are either unavailable or do not agree on the potential impact of this missense change (SIFT: "Tolerated"; PolyPhen-2: "Possibly Damaging"; Align-GVGD: "Class C0"). In summary, the available evidence is currently insufficient to determine the role of this variant in disease. Therefore, it has been classified as a Variant of Uncertain Significance.